The following is an entry in ClinVar:

NM_198253.3(TERT):c.1147C>T (p.Pro383Ser)

Gene: TERT (telomerase reverse transcriptase; minus strand). Cytogenetic location: 5p15.33.
Variant type: single nucleotide variant.
Coding change: c.1147C>T on transcript NM_198253.3 (MANE Select); coding-DNA position 1147, C replaced by T.
Protein change: p.Pro383Ser; replaces proline 383 with serine.
Molecular consequence: missense variant. On other transcripts: non-coding transcript variant (2).
Genome position (GRCh38, 1-based): chr5:1,293,739, G>A on the plus strand (C>T on the coding strand, the complement: TERT is on the minus strand). VCF-style: chr5-1293739-G-A. GRCh37 (hg19) VCF-style: chr5-1293854-G-A.
Other names: c.1147C>T, p.Pro383Ser (NM_001193376.3, NM_003219.1); short protein forms P383S.
Identifiers: ClinVar variation 3238578 (VCV003238578.1), dbSNP rs2478413971.
Genomic context (GRCh38, chr5:1,293,739, plus strand): 5'-ACTGCGCGTGGTTCCCAAGCAGCTCCAGAAACAGGGGCCGCATTTGCCAGTAGCGCTGGG[G>A]CAGGCGGGGCAACCTGCGGGGAGTCCCTGGCATCCAGGGCCTGGAACCCAGAAAGATGGT-3'
Protein context (NP_937983.2, residues 373-393): PGTPRRLPRL[Pro383Ser]QRYWQMRPLF

ClinVar aggregate classification (germline): Uncertain significance (1 of 4 stars; one submission).

Conditions:
Dyskeratosis congenita. Identifiers: Orphanet 1775, MedGen C0265965, MONDO:0015780.

Submission:

Ambry Genetics
Classification: Uncertain significance for Dyskeratosis congenita. Last evaluated: 2023-06-24. Review status: criteria provided, single submitter. Criteria: Ambry Variant Classification Scheme 2023. Collection method: clinical testing. Allele origin: germline.
Comment: The p.P383S variant (also known as c.1147C>T), located in coding exon 2 of the TERT gene, results from a C to T substitution at nucleotide position 1147. The proline at codon 383 is replaced by serine, an amino acid with similar properties. This amino acid position is conserved. In addition, the in silico prediction for this alteration is inconclusive. Since supporting evidence is limited at this time, the clinical significance of this alteration remains unclear.